The following is an entry in ClinVar:

ClinVar aggregate classification (germline): Conflicting classifications of pathogenicity. Review status: criteria provided, conflicting classifications (1 of 4 stars). 8 submissions from 8 submitters: Uncertain significance (5); Likely benign (1). 2 of the submissions do not count toward it. Last evaluated 2026-09-11.

Conditions:
TTN-related disorder. Also called: TTN-related condition; TTN-related disease; TTN-related disorders.
Cardiovascular phenotype. Identifiers: MedGen CN230736.

Allele frequency attached by ClinVar (database versions not stated): gnomAD 0.00002; TOPMed 0.00004; gnomAD exomes 0.00006 and 0.00009; ExAC 0.00007; ESP Exome Variant Server 0.00025.
gnomAD v4.1: 126 of 1,613,844 alleles (0.0078%); highest among the groups gnomAD compares: Non-Finnish European, 0.011%; no homozygotes.

Submissions (8):

PreventionGenetics, part of Exact Sciences
Classification: Uncertain significance for TTN-related condition. Last evaluated: 2026-09-11. Review status: criteria provided, single submitter. Criteria: ACMG Guidelines, 2015. Collection method: clinical testing. Allele origin: germline.
Comment: The TTN c.102614G>A variant is predicted to result in the amino acid substitution p.Gly34205Asp. To our knowledge, this variant has not been reported in the literature. This variant is reported in 0.012% of alleles in individuals of African descent in gnomAD. At this time, the clinical significance of this variant is uncertain due to the absence of conclusive functional and genetic evidence.

Women's Health and Genetics/Laboratory Corporation of America, LabCorp
Classification: Uncertain significance. Last evaluated: 2025-03-28. Review status: criteria provided, single submitter. Criteria: LabCorp Variant Classification Summary - May 2015. Collection method: clinical testing. Allele origin: germline.
Comment: Variant summary: TTN c.94910G>A (p.Gly31637Asp) results in a non-conservative amino acid change located in the M-band domain of the encoded protein sequence. Four of four in-silico tools predict a damaging effect of the variant on protein function. The variant allele was found at a frequency of 6.4e-05 in 249048 control chromosomes. This frequency is not significantly higher than estimated for a pathogenic variant in TTN causing Limb-Girdle Muscular Dystrophy, Type 2J, allowing no conclusion about variant significance. To our knowledge, no occurrence of c.94910G>A in individuals affected with Limb-Girdle Muscular Dystrophy, Type 2J and no experimental evidence demonstrating its impact on protein function have been reported. ClinVar contains an entry for this variant (Variation ID: 500354). Based on the evidence outlined above, the variant was classified as uncertain significance.

Revvity Omics, Revvity
Classification: Uncertain significance. Last evaluated: 2022-12-21. Review status: criteria provided, single submitter. Criteria: ACMG Guidelines, 2015. Collection method: clinical testing. Allele origin: germline.

Athena Diagnostics
Classification: Uncertain significance. Last evaluated: 2022-03-18. Review status: criteria provided, single submitter. Criteria: Athena Diagnostics Criteria. Collection method: clinical testing. Allele origin: unknown.

Ambry Genetics
Classification: Likely benign for Cardiovascular phenotype. Last evaluated: 2020-08-24. Review status: criteria provided, single submitter. Criteria: Ambry Variant Classification Scheme 2023. Collection method: clinical testing. Allele origin: germline.

Eurofins Ntd Llc (ga)
Classification: Uncertain significance. Last evaluated: 2017-02-07. Review status: criteria provided, single submitter. Criteria: EGL Classification Definitions 2015. Collection method: clinical testing. Allele origin: germline. Observed: 1 variant allele, 1 heterozygote.

Clinical Genetics DNA and cytogenetics Diagnostics Lab, Erasmus MC, Erasmus Medical Center
Classification: Uncertain significance. Review status: no assertion criteria provided. Collection method: clinical testing. Allele origin: germline. Affected: yes. Study: VKGL Data-share Consensus. Not counted in ClinVar's aggregate classification.

Clinical Genetics, Academic Medical Center
Classification: Uncertain significance. Review status: no assertion criteria provided. Collection method: clinical testing. Allele origin: germline. Affected: yes. Study: VKGL Data-share Consensus. Not counted in ClinVar's aggregate classification.

NM_001267550.2(TTN):c.102614G>A (p.Gly34205Asp)

Genes: TTN (titin; minus strand), TTN-AS1 (TTN antisense RNA 1; plus strand). Cytogenetic location: 2q31.2.
Variant type: single nucleotide variant.
Coding change: c.102614G>A on transcript NM_001267550.2 (MANE Select); coding-DNA position 102614, G replaced by A.
Protein change: p.Gly34205Asp; replaces glycine 34205 with aspartic acid.
Molecular consequence: missense variant.
Genome position (GRCh38, 1-based): chr2:178,534,001, C>T on the plus strand (G>A on the coding strand, the complement: TTN is on the minus strand). VCF-style: chr2-178534001-C-T. GRCh37 (hg19) VCF-style: chr2-179398728-C-T.
Other names: c.97691G>A, p.Gly32564Asp (NM_001256850.1); c.75419G>A, p.Gly25140Asp (NM_003319.4); c.94910G>A, p.Gly31637Asp (NM_133378.4); c.75794G>A, p.Gly25265Asp (NM_133432.3); c.75995G>A, p.Gly25332Asp (NM_133437.4); c.102614G>A (NM_001267550.1); short protein forms G31637D, G34205D, G25332D, G32564D, G25265D, G25140D.
Identifiers: ClinVar variation 500354 (VCV000500354.17), dbSNP rs367926247, ClinGen allele CA1985728.